The following is an entry in ClinVar:

ClinVar aggregate classification (germline): Uncertain significance. Review status: criteria provided, multiple submitters, no conflicts (2 of 4 stars). 2 submissions from 2 submitters: Uncertain significance (2). Last evaluated 2026-09-12.

Conditions:
Cardiovascular phenotype. Identifiers: MedGen CN230736.

Allele frequency attached by ClinVar (database versions not stated): gnomAD 0.00001; gnomAD exomes 0.00001; TOPMed 0.00001.
gnomAD v4.1: 6 of 1,613,052 alleles (0.00037%); highest among the groups gnomAD compares: Non-Finnish European, 0.00042%; no homozygotes.

Submissions (2):

Ambry Genetics
Classification: Uncertain significance for Cardiovascular phenotype. Last evaluated: 2026-09-12. Review status: criteria provided, single submitter. Criteria: Ambry Variant Classification Scheme 2023. Collection method: clinical testing. Allele origin: germline.
Comment: The p.D1322G variant (also known as c.3965A>G), located in coding exon 29 of the LAMA4 gene, results from an A to G substitution at nucleotide position 3965. The aspartic acid at codon 1322 is replaced by glycine, an amino acid with similar properties. This amino acid position is conserved. In addition, this alteration is predicted to be deleterious by in silico analysis. Based on the available evidence, the clinical significance of this variant remains unclear.

GeneDx
Classification: Uncertain significance. Last evaluated: 2018-04-30. Review status: criteria provided, single submitter. Criteria: GeneDx Variant Classification (06012015). Collection method: clinical testing. Allele origin: germline. Affected: yes.
Comment: The D1322G variant in the LAMA4 gene has not been reported previously as a pathogenic variant, nor as a benign variant, to our knowledge. The D1322G variant is not observed in large population cohorts (Lek et al., 2016; 1000 Genomes Consortium et al., 2015; Exome Variant Server). The D1322G variant is a non-conservative amino acid substitution, which is likely to impact secondary protein structure as these residues differ in polarity, charge, size and/or other properties. This substitution occurs at a position that is conserved across species. In silico analysis predicts this variant is probably damaging to the protein structure/function. We interpret D1322G as a variant of uncertain significance.

NM_001105206.3(LAMA4):c.3986A>G (p.Asp1329Gly)

Gene: LAMA4 (laminin subunit alpha 4; minus strand). Cytogenetic location: 6q21.
Variant type: single nucleotide variant.
Coding change: c.3986A>G on transcript NM_001105206.3 (MANE Select); coding-DNA position 3986, A replaced by G.
Protein change: p.Asp1329Gly; replaces aspartic acid 1329 with glycine.
Molecular consequence: missense variant.
Genome position (GRCh38, 1-based): chr6:112,130,023, T>C on the plus strand (A>G on the coding strand, the complement: LAMA4 is on the minus strand). VCF-style: chr6-112130023-T-C. GRCh37 (hg19) VCF-style: chr6-112451225-T-C.
Other names: c.3965A>G (LRG_433t2); c.3965A>G, p.Asp1322Gly (NM_001105207.3, NM_002290.5); short protein forms D1322G, D1329G.
Identifiers: ClinVar variation 450416 (VCV000450416.3), dbSNP rs1172546960, ClinGen allele CA365373794.